The following is an entry in ClinVar:

NR_003051.3(RMRP):n.-21_-3dupACTCTGTGAAGCTGAGGAC

Gene: RMRP (RNA component of mitochondrial RNA processing endoribonuclease; minus strand). Cytogenetic location: 9p13.3.
Variant type: Duplication.
Genome position: GRCh38 VCF-style: chr9-35658020-C-CGTCCTCAGCTTCACAGAGT. GRCh37 (hg19) VCF-style: chr9-35658017-C-CGTCCTCAGCTTCACAGAGT.
Identifiers: ClinVar variation 4734025 (VCV004734025.1).

ClinVar aggregate classification (germline): Pathogenic/Likely pathogenic. Review status: criteria provided, multiple submitters, no conflicts (2 of 4 stars). 2 submissions from 2 submitters: Pathogenic (1); Likely pathogenic (1). Last evaluated 2025-12-31.

Conditions:
Metaphyseal chondrodysplasia, McKusick type (CHH). Also called: Cartilage-hair hypoplasia; Cartilage-Hair Hypoplasia (CHH). Identifiers: Orphanet 175, MedGen C0220748, MONDO:0009595, OMIM 250250.
Anauxetic dysplasia. Identifiers: Orphanet 93347, MedGen C1846796, MONDO:0011773.

Submissions (2):

Labcorp Genetics (formerly Invitae), Labcorp
Classification: Pathogenic for Anauxetic dysplasia. Last evaluated: 2025-12-31. Review status: criteria provided, single submitter. Criteria: Invitae Variant Classification Sherloc (09022015). Collection method: clinical testing. Allele origin: germline.
Comment: This variant occurs in the RMRP gene, which encodes an RNA molecule that does not result in a protein product. This variant is not present in population databases (gnomAD no frequency). While this particular variant has not been reported in the literature, it is located in the promoter region between the TATA box and the transcription initiation site, and other insertions and duplications immediately upstream of the coding sequence have been reported in individuals affected with cartilage-hair hypoplasia-anauxetic dysplasia (CHH-AD) spectrum disorders (PMID: 16244706, 11207361, 12107819). While functional studies for this variant have not been reported, experimental analyses using patient derived cells, as well as in vitro transfection studies, have shown that promoter insertions result in silencing of RMRP transcription and reduced expression of the gene product (PMID: 11207361, 16254002). For these reasons, this variant has been classified as Pathogenic.

Natera, Inc.
Classification: Likely pathogenic for Cartilage-hair hypoplasia. Last evaluated: 2025-06-09. Review status: criteria provided, single submitter. Criteria: Natera Variant Classification Schema (03/2026). Collection method: clinical testing. Allele origin: germline.
Comment: The n.-21_-3dupACTCTGTGAAGCTGAGGAC variant in RMRP is a duplication affecting the RMRP promoter region between the TATA box and the transcription initiation site. Other duplications and insertions just upstream of the transcription initiation site have been reported in individuals affected with cartilage-hair hypoplasia (PMID: 11207361, 17937437). This variant is rare in the general population with a frequency below the threshold expected for the associated phenotype(s). Given the available evidence, this variant is classified as Likely pathogenic.

Literature cited by the submitters: PubMed 16244706 (cited by Labcorp Genetics (formerly Invitae), Labcorp); PubMed 11207361 (cited by Labcorp Genetics (formerly Invitae), Labcorp and Natera, Inc.); PubMed 12107819 (cited by Labcorp Genetics (formerly Invitae), Labcorp); PubMed 16254002 (cited by Labcorp Genetics (formerly Invitae), Labcorp); PubMed 17937437 (cited by Natera, Inc.).